The following is an entry in ClinVar:

NM_001365951.3(KIF1B):c.4824+3G>A

Gene: KIF1B (kinesin family member 1B; plus strand). Cytogenetic location: 1p36.22.
Variant type: single nucleotide variant.
Coding change: c.4824+3G>A on transcript NM_001365951.3 (MANE Select); 3 bases into the intron after coding-DNA position 4824, G replaced by A.
Molecular consequence: intron variant.
Genome position (GRCh38, 1-based): chr1:10,368,541, G>A. VCF-style: chr1-10368541-G-A. GRCh37 (hg19) VCF-style: chr1-10428599-G-A.
Other names: c.4686+3G>A (NM_015074.3); c.4824+3G>A (NM_001365952.1).
Identifiers: ClinVar variation 964635 (VCV000964635.9), dbSNP rs1638638432, ClinGen allele CA1139655953.

ClinVar aggregate classification (germline): Uncertain significance. Review status: criteria provided, multiple submitters, no conflicts (2 of 4 stars). 2 submissions from 2 submitters: Uncertain significance (2). Last evaluated 2022-12-14.

Conditions:
Charcot-Marie-Tooth disease type 2. Also called: Charcot-Marie-Tooth type 2. Identifiers: Orphanet 64746, MedGen C0270914, MONDO:0018993.

Submissions (2):

Ambry Genetics
Classification: Uncertain significance. Last evaluated: 2022-12-14. Review status: criteria provided, single submitter. Criteria: Ambry Variant Classification Scheme 2023. Collection method: clinical testing. Allele origin: germline.
Comment: The c.4686+3G>A intronic variant results from a G to A substitution 3 nucleotides after coding exon 41 in the KIF1B gene. This nucleotide position is not well conserved in available vertebrate species. In silico splice site analysis predicts that this alteration will not have any significant effect on splicing. The evidence for this gene-disease relationship is limited; therefore, the clinical significance of this alteration is unclear.

Labcorp Genetics (formerly Invitae), Labcorp
Classification: Uncertain significance for Charcot-Marie-Tooth disease type 2. Last evaluated: 2019-11-07. Review status: criteria provided, single submitter. Criteria: Invitae Variant Classification Sherloc (09022015). Collection method: clinical testing. Allele origin: germline.
Comment: This sequence change falls in intron 42 of the KIF1B gene. It does not directly change the encoded amino acid sequence of the KIF1B protein, but it affects a nucleotide within the consensus splice site of the intron. This variant is not present in population databases (ExAC no frequency). This variant has not been reported in the literature in individuals with KIF1B-related conditions. Nucleotide substitutions within the consensus splice site are a relatively common cause of aberrant splicing (PMID: 17576681, 9536098). Algorithms developed to predict the effect of sequence changes on RNA splicing suggest that this variant is not likely to affect RNA splicing, but this prediction has not been confirmed by published transcriptional studies. In summary, the available evidence is currently insufficient to determine the role of this variant in disease. Therefore, it has been classified as a Variant of Uncertain Significance.

Literature cited by the submitters: PubMed 17576681 (cited by Labcorp Genetics (formerly Invitae), Labcorp); PubMed 9536098 (cited by Labcorp Genetics (formerly Invitae), Labcorp).